The following is an entry in ClinVar:

ClinVar aggregate classification (germline): Uncertain significance. Review status: criteria provided, multiple submitters, no conflicts (2 of 4 stars). 5 submissions from 4 submitters: Uncertain significance (2). 3 of the submissions do not count toward it. Last evaluated 2025-04-11.

Conditions:
RHO-related disorder. Also called: RHO-related condition.
Retinal dystrophy. Also called: Inherited retinal dystrophy. Identifiers: Orphanet 71862, MedGen C0854723, MeSH D058499, MONDO:0019118, HP:0000556.
Optic atrophy. Identifiers: MedGen C0029124, MONDO:0003608, HP:0000648.

Allele frequency attached by ClinVar (database versions not stated): gnomAD 0.00004 and 0.00005; gnomAD exomes 0.00004 and 0.00005; ExAC 0.00006; TOPMed 0.00006; ESP Exome Variant Server 0.00008.
gnomAD v4.1: 91 of 1,613,974 alleles (0.0056%); highest among the groups gnomAD compares: Middle Eastern, 0.016%; no homozygotes.

Submissions (5):

Labcorp Genetics (formerly Invitae), Labcorp
Classification: Uncertain significance. Last evaluated: 2025-04-11. Review status: criteria provided, single submitter. Criteria: Invitae Variant Classification Sherloc (09022015). Collection method: clinical testing. Allele origin: germline.
Comment: This sequence change replaces phenylalanine, which is neutral and non-polar, with leucine, which is neutral and non-polar, at codon 220 of the RHO protein (p.Phe220Leu). This variant is present in population databases (rs141956356, gnomAD 0.01%). This missense change has been observed in individual(s) with retinitis pigmentosa (PMID: 19913029). ClinVar contains an entry for this variant (Variation ID: 1350685). Invitae Evidence Modeling of protein sequence and biophysical properties (such as structural, functional, and spatial information, amino acid conservation, physicochemical variation, residue mobility, and thermodynamic stability) has been performed for this missense variant. However, the output from this modeling did not meet the statistical confidence thresholds required to predict the impact of this variant on RHO protein function. Experimental studies have shown that this missense change does not substantially affect RHO function (PMID: 19913029). In summary, the available evidence is currently insufficient to determine the role of this variant in disease. Therefore, it has been classified as a Variant of Uncertain Significance.

Blueprint Genetics
Classification: Uncertain significance. Last evaluated: 2024-11-22. Review status: criteria provided, single submitter. Criteria: ACMG Guidelines, 2015. Collection method: clinical testing. Allele origin: germline.

PreventionGenetics, part of Exact Sciences
Classification: Uncertain significance for RHO-related condition. Last evaluated: 2024-06-25. Review status: no assertion criteria provided. Collection method: clinical testing. Allele origin: germline. Not counted in ClinVar's aggregate classification.
Comment: The RHO c.660T>G variant is predicted to result in the amino acid substitution p.Phe220Leu. This variant has been reported in the heterozygous state in an individual with retinitis pigmentosa; however, this variant did not segregate with the disorder in the family and was considered nonpathogenic (Dryja et al. 2000. PubMed ID: 10967073). Functional studies suggest that this variant does not significantly alter protein function (Krebs et al. 2009. PubMed ID: 19913029). This variant is reported in 0.0098% of alleles in individuals of South Asian descent in gnomAD. At this time, the clinical significance of this variant is uncertain due to the absence of conclusive functional and genetic evidence.

Institute of Human Genetics, Univ. Regensburg, Univ. Regensburg
Classification: Uncertain significance for Optic atrophy. Last evaluated: 2023-01-01. Review status: no assertion criteria provided. Criteria: ACMG Guidelines, 2015. Collection method: clinical testing. Allele origin: germline. Affected: yes. Not counted in ClinVar's aggregate classification.

Institute of Human Genetics, Univ. Regensburg, Univ. Regensburg
Classification: Uncertain significance for Retinal dystrophy. Last evaluated: 2023-01-01. Review status: no assertion criteria provided. Criteria: ACMG Guidelines, 2015. Collection method: clinical testing. Allele origin: germline. Affected: yes. Not counted in ClinVar's aggregate classification.

Literature cited by the submitters: PubMed 19913029 (cited by Labcorp Genetics (formerly Invitae), Labcorp).

NM_000539.3(RHO):c.660T>G (p.Phe220Leu)

Gene: RHO (rhodopsin; plus strand). Cytogenetic location: 3q22.1.
Variant type: single nucleotide variant.
Coding change: c.660T>G on transcript NM_000539.3 (MANE Select); coding-DNA position 660, T replaced by G.
Protein change: p.Phe220Leu; replaces phenylalanine 220 with leucine.
Molecular consequence: missense variant.
Genome position (GRCh38, 1-based): chr3:129,532,380, T>G. VCF-style: chr3-129532380-T-G. GRCh37 (hg19) VCF-style: chr3-129251223-T-G.
Other names: short protein forms F220L.
Identifiers: ClinVar variation 1350685 (VCV001350685.9), dbSNP rs141956356, ClinGen allele CA2607233.